The following is an entry in ClinVar:

ClinVar aggregate classification (germline): Uncertain significance. Review status: criteria provided, multiple submitters, no conflicts (2 of 4 stars). 2 submissions from 2 submitters: Uncertain significance (2). Last evaluated 2025-10-02.

Conditions:
Hereditary cancer-predisposing syndrome. Also called: Neoplastic Syndromes, Hereditary; Hereditary Cancer Syndrome; Hereditary neoplastic syndrome; Tumor predisposition. Identifiers: Orphanet 140162, MedGen C0027672, MeSH D009386, MONDO:0015356.
Fanconi anemia complementation group J. Also called: BRIP1-Related Fanconi Anemia. Identifiers: Orphanet 84, MedGen C1836860, MONDO:0012187, OMIM 609054.
Familial cancer of breast. Also called: hereditary breast carcinoma; BREAST CANCER, FAMILIAL; Hereditary breast cancer. Identifiers: Orphanet 227535, MedGen C0346153, MONDO:0016419, OMIM 114480. Disease mechanism: loss of function.

Allele frequency attached by ClinVar (database versions not stated): gnomAD exomes below 0.00001; ExAC 0.00001.
gnomAD v4.1: 1 of 1,609,928 alleles (0.000062%); highest among the groups gnomAD compares: Non-Finnish European, 0.000085%; no homozygotes.

Submissions (2):

Ambry Genetics
Classification: Uncertain significance for Hereditary cancer-predisposing syndrome. Last evaluated: 2025-10-02. Review status: criteria provided, single submitter. Criteria: Ambry Variant Classification Scheme 2023. Collection method: clinical testing. Allele origin: germline.
Comment: The p.G1243V variant (also known as c.3728G>T), located in coding exon 19 of the BRIP1 gene, results from a G to T substitution at nucleotide position 3728. The glycine at codon 1243 is replaced by valine, an amino acid with dissimilar properties. This amino acid position is not well conserved in available vertebrate species. In addition, this alteration is predicted to be tolerated by in silico analysis. Since supporting evidence is limited at this time, the clinical significance of this alteration remains unclear.

Labcorp Genetics (formerly Invitae), Labcorp
Classification: Uncertain significance for Familial cancer of breast; Fanconi anemia complementation group J. Last evaluated: 2025-07-27. Review status: criteria provided, single submitter. Criteria: Invitae Variant Classification Sherloc (09022015). Collection method: clinical testing. Allele origin: germline.
Comment: This sequence change replaces glycine, which is neutral and non-polar, with valine, which is neutral and non-polar, at codon 1243 of the BRIP1 protein (p.Gly1243Val). This variant is present in population databases (rs765545033, gnomAD 0.0009%). This variant has not been reported in the literature in individuals affected with BRIP1-related conditions. ClinVar contains an entry for this variant (Variation ID: 824132). Invitae Evidence Modeling of protein sequence and biophysical properties (such as structural, functional, and spatial information, amino acid conservation, physicochemical variation, residue mobility, and thermodynamic stability) has been performed for this missense variant. However, the output from this modeling did not meet the statistical confidence thresholds required to predict the impact of this variant on BRIP1 protein function. In summary, the available evidence is currently insufficient to determine the role of this variant in disease. Therefore, it has been classified as a Variant of Uncertain Significance.

Literature cited by the submitters: PubMed 29368626 (cited by Ambry Genetics).

NM_032043.3(BRIP1):c.3728G>T (p.Gly1243Val)

Gene: BRIP1 (BRCA1 interacting DNA helicase 1; minus strand). Cytogenetic location: 17q23.2.
Variant type: single nucleotide variant.
Coding change: c.3728G>T on transcript NM_032043.3 (MANE Select); coding-DNA position 3728, G replaced by T.
Protein change: p.Gly1243Val; replaces glycine 1243 with valine.
Molecular consequence: missense variant.
Genome position (GRCh38, 1-based): chr17:61,683,318, C>A on the plus strand (G>T on the coding strand, the complement: BRIP1 is on the minus strand). VCF-style: chr17-61683318-C-A. GRCh37 (hg19) VCF-style: chr17-59760679-C-A.
Other names: short protein forms G1243V.
Identifiers: ClinVar variation 824132 (VCV000824132.8), dbSNP rs765545033, ClinGen allele CA8690335.